The following is an entry in ClinVar:

ClinVar aggregate classification (germline): Uncertain significance (1 of 4 stars; one submission).

gnomAD v4.1: 4 of 1,614,156 alleles (0.00025%); highest among the groups gnomAD compares: Admixed American, 0.0017%; no homozygotes.

Submission:

Labcorp Genetics (formerly Invitae), Labcorp
Classification: Uncertain significance. Last evaluated: 2023-09-30. Review status: criteria provided, single submitter. Criteria: Invitae Variant Classification Sherloc (09022015). Collection method: clinical testing. Allele origin: germline.
Comment: In summary, the available evidence is currently insufficient to determine the role of this variant in disease. Therefore, it has been classified as a Variant of Uncertain Significance. Algorithms developed to predict the effect of missense changes on protein structure and function output the following: SIFT: "Not Available"; PolyPhen-2: "Benign"; Align-GVGD: "Not Available". The valine amino acid residue is found in multiple mammalian species, which suggests that this missense change does not adversely affect protein function. This variant has not been reported in the literature in individuals affected with RP1-related conditions. This variant is present in population databases (rs745446688, gnomAD 0.003%). This sequence change replaces isoleucine, which is neutral and non-polar, with valine, which is neutral and non-polar, at codon 1632 of the RP1 protein (p.Ile1632Val).

NM_006269.2(RP1):c.4894A>G (p.Ile1632Val)

Genes: RP1 (RP1 axonemal microtubule associated; plus strand), LOC126860392 (CDK7 strongly-dependent group 2 enhancer GRCh37_chr8:55541319-55542518; plus strand). Cytogenetic location: 8q12.1.
Variant type: single nucleotide variant.
Coding change: c.4894A>G on transcript NM_006269.2 (MANE Select); coding-DNA position 4894, A replaced by G.
Protein change: p.Ile1632Val; replaces isoleucine 1632 with valine.
Molecular consequence: missense variant. On other transcripts: intron variant (1).
Genome position (GRCh38, 1-based): chr8:54,628,776, A>G. VCF-style: chr8-54628776-A-G. GRCh37 (hg19) VCF-style: chr8-55541336-A-G.
Other names: c.787+6488A>G (NM_001375654.1); short protein forms I1632V.
Identifiers: ClinVar variation 2764618 (VCV002764618.3), dbSNP rs745446688, ClinGen allele CA4751965.